The following is an entry in ClinVar:

NM_000091.5(COL4A3):c.4678G>A (p.Val1560Ile)

Genes: COL4A3 (collagen type IV alpha 3 chain; plus strand), MFF-DT (MFF divergent transcript; minus strand). Cytogenetic location: 2q36.3.
Variant type: single nucleotide variant.
Coding change: c.4678G>A on transcript NM_000091.5 (MANE Select); coding-DNA position 4678, G replaced by A.
Protein change: p.Val1560Ile; replaces valine 1560 with isoleucine.
Molecular consequence: missense variant.
Genome position (GRCh38, 1-based): chr2:227,309,241, G>A. VCF-style: chr2-227309241-G-A. GRCh37 (hg19) VCF-style: chr2-228173957-G-A.
Other names: short protein forms V1560I.
Identifiers: ClinVar variation 896394 (VCV000896394.15), dbSNP rs574102153, ClinGen allele CA2147611.

ClinVar aggregate classification (germline): Conflicting classifications of pathogenicity. Review status: criteria provided, conflicting classifications (1 of 4 stars). 5 submissions from 5 submitters: Uncertain significance (4); Likely benign (1). Last evaluated 2026-08-25.

Conditions:
Autosomal dominant Alport syndrome (ATS3A). Also called: ALPORT SYNDROME 3A, AUTOSOMAL DOMINANT; Alport syndrome dominant type; Renal failure and sensorineural hearing loss. Identifiers: Orphanet 63, Orphanet 88918, MedGen C5882663, MONDO:0007086, OMIM 104200.
Alport syndrome 3b, autosomal recessive. Identifiers: MedGen C5882699, MONDO:0957811, OMIM 620536.
Hematuria, benign familial, 2 (BFH2). Identifiers: MedGen C5830421, MONDO:0958186, OMIM 620320.
Alport syndrome. Also called: Hemorrhagic familial nephritis; Hemorrhagic hereditary nephritis; Congenital hereditary hematuria. Identifiers: Orphanet 63, MedGen C1567741, MONDO:0018965.

Allele frequency attached by ClinVar (database versions not stated): TOPMed 0.00004; gnomAD 0.00003 and 0.00005; gnomAD exomes 0.00007 and 0.00005; ExAC 0.00011; 1000 Genomes Project 0.00020; 1000 Genomes Project 30x 0.00016.
gnomAD v4.1: 79 of 1,614,202 alleles (0.0049%); highest among the groups gnomAD compares: Middle Eastern, 0.099%; no homozygotes.

Submissions (5):

GeneDx
Classification: Uncertain significance. Last evaluated: 2026-08-25. Review status: criteria provided, single submitter. Criteria: GeneDx Variant Classification Process June 2021. Collection method: clinical testing. Allele origin: germline.
Comment: In silico analysis suggests that this missense variant does not alter protein structure/function; Observed in a patient in published literature, but additional evidence is not available (PMID: 39006921); This variant is associated with the following publications: (PMID: 39006921)

Genetics laboratory, Institute of Kidney Diseases & Research Centre Dr. H.L. Trivedi Institute Of Transplantation Sciences
Classification: Uncertain significance for Autosomal dominant Alport syndrome. Last evaluated: 2026-01-30. Review status: criteria provided, single submitter. Criteria: ACMG Guidelines, 2015. Collection method: clinical testing. Allele origin: germline. Inheritance: Autosomal dominant inheritance. Affected: yes. Observed: 1 variant allele, 1 heterozygote.
Comment: The COL4A3 variant c.4678G>A (p.Val1560Ile) is currently classified as a Variant of Uncertain Significance based on available evidence. The variant results in a conservative amino acid substitution, and there is insufficient clinical and functional evidence to determine its definitive role in disease.

Labcorp Genetics (formerly Invitae), Labcorp
Classification: Likely benign. Last evaluated: 2026-01-19. Review status: criteria provided, single submitter. Criteria: Invitae Variant Classification Sherloc (09022015). Collection method: clinical testing. Allele origin: germline.

Fulgent Genetics
Classification: Uncertain significance for Autosomal dominant Alport syndrome; Hematuria, benign familial, 2; Alport syndrome 3b, autosomal recessive. Last evaluated: 2024-04-24. Review status: criteria provided, single submitter. Criteria: ACMG Guidelines, 2015. Collection method: clinical testing. Allele origin: germline.

Illumina Laboratory Services, Illumina
Classification: Uncertain significance for Alport syndrome. Last evaluated: 2018-01-13. Review status: criteria provided, single submitter. Criteria: ICSL Variant Classification Criteria 13 December 2019. Collection method: clinical testing. Allele origin: germline.